The following is an entry in ClinVar:

ClinVar aggregate classification (germline): Uncertain significance. Review status: criteria provided, multiple submitters, no conflicts (2 of 4 stars). 2 submissions from 2 submitters: Uncertain significance (2). Last evaluated 2025-08-11.

Conditions:
Inborn genetic diseases. Identifiers: MedGen C0950123, MeSH D030342.

Allele frequency attached by ClinVar (database versions not stated): ExAC 0.00003; gnomAD 0.00009; TOPMed 0.00009; 1000 Genomes Project 30x 0.00016; 1000 Genomes Project 0.00020.
gnomAD v4.1: 68 of 1,568,484 alleles (0.0043%); highest among the groups gnomAD compares: African/African-American, 0.0055%; no homozygotes.

Submissions (2):

Ambry Genetics
Classification: Uncertain significance for Inborn genetic diseases. Last evaluated: 2025-08-11. Review status: criteria provided, single submitter. Criteria: Ambry Variant Classification Scheme 2023. Collection method: clinical testing. Allele origin: germline.

Labcorp Genetics (formerly Invitae), Labcorp
Classification: Uncertain significance. Last evaluated: 2022-10-17. Review status: criteria provided, single submitter. Criteria: Invitae Variant Classification Sherloc (09022015). Collection method: clinical testing. Allele origin: germline.
Comment: This sequence change replaces arginine, which is basic and polar, with cysteine, which is neutral and slightly polar, at codon 472 of the SKIV2L protein (p.Arg472Cys). This variant is present in population databases (rs552443266, gnomAD 0.009%). This variant has not been reported in the literature in individuals affected with SKIV2L-related conditions. ClinVar contains an entry for this variant (Variation ID: 1380710). Algorithms developed to predict the effect of missense changes on protein structure and function are either unavailable or do not agree on the potential impact of this missense change (SIFT: "Deleterious"; PolyPhen-2: "Possibly Damaging"; Align-GVGD: "Class C0"). In summary, the available evidence is currently insufficient to determine the role of this variant in disease. Therefore, it has been classified as a Variant of Uncertain Significance.

NM_006929.5(SKIC2):c.1414C>T (p.Arg472Cys)

Gene: SKIC2 (SKI2 subunit of superkiller complex; plus strand). Cytogenetic location: 6p21.33.
Variant type: single nucleotide variant.
Coding change: c.1414C>T on transcript NM_006929.5 (MANE Select); coding-DNA position 1414, C replaced by T.
Protein change: p.Arg472Cys; replaces arginine 472 with cysteine.
Molecular consequence: missense variant.
Genome position (GRCh38, 1-based): chr6:31,963,423, C>T. VCF-style: chr6-31963423-C-T. GRCh37 (hg19) VCF-style: chr6-31931200-C-T.
Other names: c.1414C>T (NM_006929.4); short protein forms R472C.
Identifiers: ClinVar variation 1380710 (VCV001380710.4), dbSNP rs552443266, ClinGen allele CA3729480.